The following is an entry in ClinVar:

ClinVar aggregate classification (germline): Uncertain significance (1 of 4 stars; one submission).

Conditions:
Dystonia 25 (DYT25). Also called: DYT-GNAL. Identifiers: Orphanet 329466, MedGen C4304670, MONDO:0014033, OMIM 615073.

Allele frequency attached by ClinVar (database versions not stated): gnomAD 0.00001; 1000 Genomes Project 30x 0.00016; 1000 Genomes Project 0.00020.
gnomAD v4.1: 7 of 1,506,638 alleles (0.00046%); highest among the groups gnomAD compares: South Asian, 0.005%; no homozygotes.

Submission:

Victorian Clinical Genetics Services, Murdoch Childrens Research Institute
Classification: Uncertain significance for Dystonia 25. Last evaluated: 2020-05-08. Review status: criteria provided, single submitter. Criteria: ACMG Guidelines, 2015. Collection method: clinical testing. Allele origin: germline. Inheritance: Autosomal dominant inheritance. Affected: yes.
Comment: Based on the classification scheme VCGS_Germline_v1.1.1, this variant is classified as VOUS – 3C. Following criteria are met: 0102 - Loss-of-function is a known mechanism of disease for this gene. (N) 0107 - This gene is known to be associated with autosomal dominant disease. (N) 0200 - Variant is predicted to result in a missense amino acid change from glycine to aspartic acid. (N) 0251 - Variant is heterozygous. (N) 0302 - Variant is present in gnomAD <0.001 for a dominant condition (1 Het, 0 Hom). (P) 0309 - An alternative amino acid change at the same position has been observed in gnomAD (1 Het, 0 Hom). (N) 0504 - Same amino acid change has been observed in mammals. (B) 0604 - Variant is not located in an established domain, motif, hotspot or informative constraint region. (N) 0705 - No comparable variants have previous evidence for pathogenicity. (N) 0807 - Variant has not previously been reported in a clinical context. (N) 0905 - No segregation evidence has been identified for this variant. (N) 1007 - No published functional evidence has been identified for this variant. (N) Legend: (P) - Pathogenic, (N) - Neutral, (B) - Benign

NM_182978.4(GNAL):c.311G>A (p.Gly104Asp)

Gene: GNAL (G protein subunit alpha L; plus strand). Cytogenetic location: 18p11.21.
Variant type: single nucleotide variant.
Coding change: c.311G>A on transcript NM_182978.4 (MANE Select); coding-DNA position 311, G replaced by A.
Protein change: p.Gly104Asp; replaces glycine 104 with aspartic acid.
Molecular consequence: missense variant.
Genome position (GRCh38, 1-based): chr18:11,689,874, G>A. VCF-style: chr18-11689874-G-A. GRCh37 (hg19) VCF-style: chr18-11689873-G-A.
Other names: short protein forms G104D.
Identifiers: ClinVar variation 1806039 (VCV001806039.1), dbSNP rs565419967, ClinGen allele CA296031848.
Genomic context (GRCh38, chr18:11,689,874, plus strand): 5'-AGGAGCGCGAGGCGGCCAAGGAGCGCGAGGCGGTCAAGGAGGCGAGGAAAGTGAGCCGGG[G>A]CATCGACCGCATGCTGCGCGACCAGAAGCGCGACCTGCAGCAGACGCACCGGCTCCTGCT-3'
Protein context (NP_892023.1, residues 94-114): AVKEARKVSR[Gly104Asp]IDRMLRDQKR